The following is an entry in ClinVar:

NM_000110.4(DPYD):c.768T>G (p.Ile256Met)

Gene: DPYD (dihydropyrimidine dehydrogenase; minus strand). Cytogenetic location: 1p21.3.
Variant type: single nucleotide variant.
Coding change: c.768T>G on transcript NM_000110.4 (MANE Select); coding-DNA position 768, T replaced by G.
Protein change: p.Ile256Met; replaces isoleucine 256 with methionine.
Molecular consequence: missense variant.
Genome position (GRCh38, 1-based): chr1:97,679,177, A>C on the plus strand (T>G on the coding strand, the complement: DPYD is on the minus strand). VCF-style: chr1-97679177-A-C. GRCh37 (hg19) VCF-style: chr1-98144733-A-C.
Other names: short protein forms I256M.
Identifiers: ClinVar variation 1760153 (VCV001760153.3), dbSNP rs556933127, ClinGen allele CA963554.
Genomic context (GRCh38, chr1:97,679,177, plus strand): 5'-GTAGCCTTTTTCTTTCAAAGTGCTAAGAGTCATTTCATTCACTGAAAGGCTTTTACCGCA[A>C]ATTATCTATAAGAAACAATATTTTGCATAAGAAAATTTGGCATATGATTAATTAAAATCT-3'
Protein context (NP_000101.2, residues 246-266): ELMKDLGVKI[Ile256Met]CGKSLSVNEM

ClinVar aggregate classification (germline): Uncertain significance. Review status: criteria provided, multiple submitters, no conflicts (2 of 4 stars). 2 submissions from 2 submitters: Uncertain significance (2). Last evaluated 2022-08-27.

Conditions:
DPYD-related disorder. Also called: DPYD-related condition.
Inborn genetic diseases. Identifiers: MedGen C0950123, MeSH D030342.

Allele frequency attached by ClinVar (database versions not stated): gnomAD exomes 0.00007; TOPMed 0.00008; gnomAD 0.00009; ExAC 0.00011; 1000 Genomes Project 30x 0.00016.
gnomAD v4.1: 113 of 1,543,000 alleles (0.0073%); highest among the groups gnomAD compares: Admixed American, 0.021%; no homozygotes.

Submissions (2):

Ambry Genetics
Classification: Uncertain significance for Inborn genetic diseases. Last evaluated: 2022-08-27. Review status: criteria provided, single submitter. Criteria: Ambry Variant Classification Scheme 2023. Collection method: clinical testing. Allele origin: germline.
Comment: The p.I256M variant (also known as c.768T>G), located in coding exon 8 of the DPYD gene, results from a T to G substitution at nucleotide position 768. The isoleucine at codon 256 is replaced by methionine, an amino acid with highly similar properties. This amino acid position is conserved. In addition, the in silico prediction for this alteration is inconclusive. Since supporting evidence is limited at this time, the clinical significance of this alteration remains unclear.

Department of Pathology and Laboratory Medicine, Sinai Health System
Classification: Uncertain significance for DPYD-related condition. Last evaluated: 2021-07-30. Review status: criteria provided, single submitter. Criteria: ACMG Guidelines, 2015. Collection method: research. Allele origin: germline.